The following is an entry in ClinVar:

NM_001276345.2(TNNT2):c.788A>G (p.Lys263Arg)

Gene: TNNT2 (troponin T2, cardiac type; minus strand). Cytogenetic location: 1q32.1.
Variant type: single nucleotide variant.
Coding change: c.788A>G on transcript NM_001276345.2 (MANE Select); coding-DNA position 788, A replaced by G.
Protein change: p.Lys263Arg; replaces lysine 263 with arginine.
Molecular consequence: missense variant.
Genome position (GRCh38, 1-based): chr1:201,361,301, T>C on the plus strand (A>G on the coding strand, the complement: TNNT2 is on the minus strand). VCF-style: chr1-201361301-T-C. GRCh37 (hg19) VCF-style: chr1-201330429-T-C.
Other names: p.K253R:AAG>AGG; c.779A>G, p.Lys260Arg (NM_000364.4); c.758A>G, p.Lys253Arg (NM_001001430.3, NM_001276347.2); c.749A>G, p.Lys250Arg (NM_001001431.3); c.740A>G, p.Lys247Arg (NM_001001432.3); c.659A>G, p.Lys220Arg (NM_001276346.2); short protein forms K253R, K260R, K220R, K247R, K263R, K250R.
Identifiers: ClinVar variation 43669 (VCV000043669.42), dbSNP rs3730238, ClinGen allele CA005090.

ClinVar aggregate classification (germline): Benign/Likely benign. Review status: criteria provided, multiple submitters, no conflicts (2 of 4 stars). 21 submissions from 19 submitters: Benign (12); Likely benign (4). 5 of the submissions do not count toward it. Last evaluated 2026-02-04.

Conditions:
Cardiovascular phenotype. Identifiers: MedGen CN230736.
Hypertrophic cardiomyopathy 2. Also called: TNNT2-Related Familial Hypertrophic Cardiomyopathy. Identifiers: MedGen C1861864, MONDO:0007266, OMIM 115195.
Dilated cardiomyopathy 1D. Identifiers: Orphanet 154, Orphanet 54260, MedGen C1832243, MONDO:0011095, OMIM 601494.
Cardiomyopathy, familial restrictive, 3. Identifiers: Orphanet 75249, MedGen C2676271, MONDO:0012900, OMIM 612422.
Cardiomyopathy (CMYO). Also called: Cardiomyopathies. Identifiers: Orphanet 167848, MedGen C0878544, MONDO:0004994, HP:0001638. Inheritance: Various modes of inheritance.
Primary familial hypertrophic cardiomyopathy (HCM). Identifiers: Orphanet 99739, MedGen C0949658, MeSH D024741, MONDO:0024573. Inheritance: Various modes of inheritance.

Allele frequency attached by ClinVar (database versions not stated): gnomAD exomes 0.02889 and 0.04696; ExAC 0.05073; gnomAD 0.05965 and 0.06196; ESP Exome Variant Server 0.06020; TOPMed 0.06070; 1000 Genomes Project 30x 0.09697; 1000 Genomes Project 0.09744.

Submissions (21):

Labcorp Genetics (formerly Invitae), Labcorp
Classification: Benign for Cardiomyopathy, familial restrictive, 3; Hypertrophic cardiomyopathy 2; Dilated cardiomyopathy 1D. Last evaluated: 2026-02-04. Review status: criteria provided, single submitter. Criteria: Invitae Variant Classification Sherloc (09022015). Collection method: clinical testing. Allele origin: germline.

Blueprint Genetics
Classification: Benign. Last evaluated: 2024-11-26. Review status: criteria provided, single submitter. Criteria: ACMG Guidelines, 2015. Collection method: clinical testing. Allele origin: germline.

All of Us Research Program, National Institutes of Health
Classification: Benign for Cardiomyopathy. Last evaluated: 2024-10-01. Review status: criteria provided, single submitter. Criteria: ACMG Guidelines, 2015. Collection method: clinical testing. Allele origin: germline. Inheritance: Autosomal dominant inheritance. Observed: 8,089 variant alleles, 7,733 heterozygotes, 351 homozygotes, 5 hemizygotes.
Comment: This study involves interpretation of variants in research participants for the purpose of population health screening. Participant phenotype was not available at the time of variant classification. Additional details can be found in publication PMID: 35346344, PMCID: PMC8962531

Genome-Nilou Lab
Classification: Likely benign for Dilated cardiomyopathy 1D. Last evaluated: 2023-04-11. Review status: criteria provided, single submitter. Criteria: ACMG Guidelines, 2015. Collection method: clinical testing. Allele origin: germline. Affected: no.

Genome-Nilou Lab
Classification: Likely benign for Cardiomyopathy, familial restrictive, 3. Last evaluated: 2023-04-11. Review status: criteria provided, single submitter. Criteria: ACMG Guidelines, 2015. Collection method: clinical testing. Allele origin: germline. Affected: no.

Genome-Nilou Lab
Classification: Likely benign for Hypertrophic cardiomyopathy 2. Last evaluated: 2023-04-11. Review status: criteria provided, single submitter. Criteria: ACMG Guidelines, 2015. Collection method: clinical testing. Allele origin: germline. Affected: no.

Color Diagnostics, LLC DBA Color Health
Classification: Benign for Cardiomyopathy. Last evaluated: 2018-03-15. Review status: criteria provided, single submitter. Criteria: ACMG Guidelines, 2015. Collection method: clinical testing. Allele origin: germline.

Women's Health and Genetics/Laboratory Corporation of America, LabCorp
Classification: Benign. Last evaluated: 2016-08-24. Review status: criteria provided, single submitter. Criteria: LabCorp Variant Classification Summary - May 2015. Collection method: clinical testing. Allele origin: germline.
Comment: Variant summary: The TNNT2 c.758A>G (p.Lys253Arg) variant involves the alteration of a conserved nucleotide. 3/3 in silico tools predict a benign outcome for this variant. This variant was found in 6169/122538 control chromosomes (378 homozygotes) at a frequency of 0.0503436, which is approximately 288 times the estimated maximal expected allele frequency of a pathogenic TNNT2 variant (0.000175), suggesting this variant is likely a benign polymorphism. In literature, this variant has been reported as a polymorphism found in HCM patients as well as healthy controls (Watkins_1995, Torricelli_2003, Garcia_Castro_2007, etc.). It has also been found to not cosegregate with disease in HCM families (Watkins_1995). In a mammalian two-hybrid assay, L253R mutant did not affect on interactions between TnT and TnI or TnT and TnC (Mogensen_2004). In addition, multiple clinical diagnostic laboratories/reputable databases have classified this variant as benign. Taken together, this variant is classified as Benign.

Ambry Genetics
Classification: Benign for Cardiovascular phenotype. Last evaluated: 2015-07-02. Review status: criteria provided, single submitter. Criteria: Ambry Variant Classification Scheme 2023. Collection method: clinical testing. Allele origin: germline.

Mayo Clinic Laboratories, Mayo Clinic
Classification: Benign. Last evaluated: 2014-05-12. Review status: criteria provided, single submitter. Criteria: ACMG Guidelines, 2015. Collection method: clinical testing. Allele origin: germline. Observed: 125 variant alleles.

Biesecker Lab/Clinical Genomics Section, National Institutes of Health
Classification: Benign for Cardiomyopathy, hypertrophic. Last evaluated: 2013-06-24. Review status: criteria provided, single submitter. Criteria: Ng et al. (Circ Cardiovasc Genet. 2013). Collection method: research. Allele origin: unknown. Observed: 38 variant alleles. Study: ClinSeq.
Comment: The study set was not selected for affection status in relation to any cancer. Pathogenicity categories were based on literature curation. See Pubmed ID:23861362 for details.

Medical sequencing

GeneDx
Classification: Benign. Last evaluated: 2011-07-14. Review status: criteria provided, single submitter. Criteria: GeneDx Variant Classification (06012015). Collection method: clinical testing. Allele origin: germline. Affected: yes.
Comment: This variant is considered likely benign or benign based on one or more of the following criteria: it is a conservative change, it occurs at a poorly conserved position in the protein, it is predicted to be benign by multiple in silico algorithms, and/or has population frequency not consistent with disease.

Laboratory for Molecular Medicine, Mass General Brigham Personalized Medicine
Classification: Benign. Last evaluated: 2008-01-18. Review status: criteria provided, single submitter. Criteria: LMM Criteria. Collection method: clinical testing. Allele origin: germline. Observed: 370 variant alleles.

Breakthrough Genomics
Classification: Likely benign. Review status: criteria provided, single submitter. Criteria: ACMG Guidelines, 2015. Collection method: not provided. Allele origin: germline. Inheritance: Autosomal dominant inheritance. Affected: yes.

Molecular Diagnostic Laboratory for Inherited Cardiovascular Disease, Montreal Heart Institute
Classification: Benign. Review status: criteria provided, single submitter. Criteria: ACMG Guidelines, 2015. Collection method: clinical testing. Allele origin: germline. Affected: yes.

PreventionGenetics, part of Exact Sciences
Classification: Benign. Review status: criteria provided, single submitter. Criteria: ACMG Guidelines, 2015. Collection method: clinical testing. Allele origin: germline.

Cohesion Phenomics
Classification: Benign for Cardiomyopathy. Last evaluated: 2022-10-10. Review status: no assertion criteria provided. Criteria: ACMG Guidelines, 2015. Collection method: clinical testing. Allele origin: germline. Affected: yes. Not counted in ClinVar's aggregate classification.

Clinical Genetics DNA and cytogenetics Diagnostics Lab, Erasmus MC, Erasmus Medical Center
Classification: Benign. Review status: no assertion criteria provided. Collection method: clinical testing. Allele origin: germline. Affected: yes. Study: VKGL Data-share Consensus. Not counted in ClinVar's aggregate classification.

Clinical Genetics, Academic Medical Center
Classification: Benign. Review status: no assertion criteria provided. Collection method: clinical testing. Allele origin: germline. Affected: yes. Study: VKGL Data-share Consensus. Not counted in ClinVar's aggregate classification.

Genome Diagnostics Laboratory, University Medical Center Utrecht
Classification: Benign. Review status: no assertion criteria provided. Collection method: clinical testing. Allele origin: germline. Affected: yes. Study: VKGL Data-share Consensus. Not counted in ClinVar's aggregate classification.

Joint Genome Diagnostic Labs from Nijmegen and Maastricht, Radboudumc and MUMC+
Classification: Benign. Review status: no assertion criteria provided. Collection method: clinical testing. Allele origin: germline. Affected: yes. Study: VKGL Data-share Consensus. Not counted in ClinVar's aggregate classification.

Literature cited by the submitters: PubMed 7898523 (cited by Women's Health and Genetics/Laboratory Corporation of America, LabCorp and Laboratory for Molecular Medicine, Mass General Brigham Personalized Medicine); PubMed 17101185 (cited by Women's Health and Genetics/Laboratory Corporation of America, LabCorp); PubMed 15542288 (cited by Women's Health and Genetics/Laboratory Corporation of America, LabCorp); PubMed 14636924 (cited by Women's Health and Genetics/Laboratory Corporation of America, LabCorp); PubMed 12881443 (cited by Women's Health and Genetics/Laboratory Corporation of America, LabCorp); PubMed 12818575 (cited by Laboratory for Molecular Medicine, Mass General Brigham Personalized Medicine); PubMed 15958377 (cited by Laboratory for Molecular Medicine, Mass General Brigham Personalized Medicine).